The following is an entry in ClinVar:

ClinVar aggregate classification (germline): Uncertain significance (0 of 4 stars; one submission).

Conditions:
PKHD1-related disorder. Also called: PKHD1-related condition.

gnomAD v4.1: 2 of 1,600,640 alleles (0.00012%); highest among the groups gnomAD compares: Admixed American, 0.0033%; no homozygotes.

Submission:

PreventionGenetics, part of Exact Sciences
Classification: Uncertain significance for PKHD1-related condition. Last evaluated: 2024-07-15. Review status: no assertion criteria provided. Collection method: clinical testing. Allele origin: germline.
Comment: The PKHD1 c.46T>G variant is predicted to result in the amino acid substitution p.Leu16Val. To our knowledge, this variant has not been reported in the literature. This variant is reported in 0.0058% of alleles in individuals of Latino descent in gnomAD. At this time, the clinical significance of this variant is uncertain due to the absence of conclusive functional and genetic evidence.

NM_138694.4(PKHD1):c.46T>G (p.Leu16Val)

Gene: PKHD1 (PKHD1 ciliary IPT domain containing fibrocystin/polyductin; minus strand). Cytogenetic location: 6p12.2.
Variant type: single nucleotide variant.
Coding change: c.46T>G on transcript NM_138694.4 (MANE Select); coding-DNA position 46, T replaced by G.
Protein change: p.Leu16Val; replaces leucine 16 with valine.
Molecular consequence: missense variant.
Genome position (GRCh38, 1-based): chr6:52,084,888, A>C on the plus strand (T>G on the coding strand, the complement: PKHD1 is on the minus strand). VCF-style: chr6-52084888-A-C. GRCh37 (hg19) VCF-style: chr6-51949686-A-C.
Other names: c.46T>G, p.Leu16Val (NM_170724.3); short protein forms L16V.
Identifiers: ClinVar variation 3352755 (VCV003352755.1).